The following is an entry in ClinVar:

NM_001353214.3(DYM):c.2108A>G (p.Tyr703Cys)

Genes: DYM (dymeclin; minus strand), DYM-AS1 (DYM antisense RNA 1; plus strand). Cytogenetic location: 18q21.1.
Variant type: single nucleotide variant.
Coding change: c.2108A>G on transcript NM_001353214.3 (MANE Select); coding-DNA position 2108, A replaced by G.
Protein change: p.Tyr703Cys; replaces tyrosine 703 with cysteine.
Molecular consequence: missense variant. On other transcripts: 3 prime UTR variant (2).
Genome position (GRCh38, 1-based): chr18:49,044,122, T>C on the plus strand (A>G on the coding strand, the complement: DYM is on the minus strand). VCF-style: chr18-49044122-T-C. GRCh37 (hg19) VCF-style: chr18-46570492-T-C.
Other names: c.1940A>G, p.Tyr647Cys (NM_001353210.3, NM_001353211.3); c.2105A>G, p.Tyr702Cys (NM_001353212.3, NM_001353213.3); c.1925A>G, p.Tyr642Cys (NM_001353215.3); c.1760A>G, p.Tyr587Cys (NM_001353216.3, NM_001374437.1); c.2108A>G, p.Tyr703Cys (NM_001374428.1); c.2102A>G, p.Tyr701Cys (NM_001374429.1); c.*67A>G (NM_001374430.1, NM_001374433.1); c.1994A>G, p.Tyr665Cys (NM_001374431.1); and 13 more; short protein forms Y457C, Y513C, Y585C, Y606C, Y610C, Y642C, Y458C, Y586C.
Identifiers: ClinVar variation 2078682 (VCV002078682.2), dbSNP rs771418522, ClinGen allele CA8957903.

ClinVar aggregate classification (germline): Uncertain significance. Review status: criteria provided, multiple submitters, no conflicts (2 of 4 stars). 2 submissions from 2 submitters: Uncertain significance (2). Last evaluated 2023-12-08.

Conditions:
Inborn genetic diseases. Identifiers: MedGen C0950123, MeSH D030342.

Allele frequency attached by ClinVar (database versions not stated): gnomAD 0.00001; gnomAD exomes 0.00002; TOPMed 0.00002; ExAC 0.00004.
gnomAD v4.1: 15 of 1,614,064 alleles (0.00093%); highest among the groups gnomAD compares: Middle Eastern, 0.017%; no homozygotes.

Submissions (2):

Ambry Genetics
Classification: Uncertain significance for Inborn genetic diseases. Last evaluated: 2023-12-08. Review status: criteria provided, single submitter. Criteria: Ambry Variant Classification Scheme 2023. Collection method: clinical testing. Allele origin: germline.

Labcorp Genetics (formerly Invitae), Labcorp
Classification: Uncertain significance. Last evaluated: 2022-05-08. Review status: criteria provided, single submitter. Criteria: Invitae Variant Classification Sherloc (09022015). Collection method: clinical testing. Allele origin: germline.
Comment: This sequence change replaces tyrosine, which is neutral and polar, with cysteine, which is neutral and slightly polar, at codon 648 of the DYM protein (p.Tyr648Cys). This variant is present in population databases (rs771418522, gnomAD 0.009%). This variant has not been reported in the literature in individuals affected with DYM-related conditions. Algorithms developed to predict the effect of missense changes on protein structure and function are either unavailable or do not agree on the potential impact of this missense change (SIFT: "Tolerated"; PolyPhen-2: "Probably Damaging"; Align-GVGD: "Class C0"). In summary, the available evidence is currently insufficient to determine the role of this variant in disease. Therefore, it has been classified as a Variant of Uncertain Significance.